The following is an entry in ClinVar:

ClinVar aggregate classification (germline): Uncertain significance. Review status: reviewed by expert panel (3 of 4 stars). 4 submissions from 4 submitters: Uncertain significance (1). 3 of the submissions do not count toward it. Last evaluated 2023-08-21.

Conditions:
Hereditary cancer-predisposing syndrome. Also called: Hereditary Cancer Syndrome; Neoplastic Syndromes, Hereditary; Tumor predisposition; Hereditary neoplastic syndrome. Identifiers: Orphanet 140162, MedGen C0027672, MeSH D009386, MONDO:0015356.
CDH1-related diffuse gastric and lobular breast cancer syndrome. Also called: CDH1-related diffuse gastric and lobular breast cancer. Identifiers: MedGen CN311521, MONDO:0100488.
Hereditary diffuse gastric adenocarcinoma (HDGC). Also called: DIFFUSE GASTRIC AND LOBULAR BREAST CANCER SYNDROME. Identifiers: Orphanet 26106, MedGen C1708349, MONDO:0007648, OMIM 137215.

gnomAD v4.1: 1 of 1,614,150 alleles (0.000062%); highest among the groups gnomAD compares: Non-Finnish European, 0.000085%; no homozygotes.

Submissions (4):

Clingen Gastric Cancer Variant Curation Expert Panel
Classification: Uncertain significance for CDH1-related diffuse gastric and lobular breast cancer syndrome. Last evaluated: 2023-08-21. Review status: reviewed by expert panel. Criteria: ClinGen CDH1 ACMG Specifications V3.1. Collection method: curation. Allele origin: germline. Inheritance: Autosomal dominant inheritance.
Comment: The c.604G>C (p.Val202Leu) variant is absent from gnomAD (PM2_Supporting). To our knowledge, this variant has not been reported in the literature. In summary, this variant is classified as a variant of uncertain significance based on insufficient ACMG/AMP criteria applied as specified by the CDH1 Variant Curation Expert Panel (Variant Interpretation Guidelines Version 3.1): PM2_Supporting.

Labcorp Genetics (formerly Invitae), Labcorp
Classification: Uncertain significance for Hereditary diffuse gastric adenocarcinoma. Last evaluated: 2025-11-21. Review status: criteria provided, single submitter. Criteria: Invitae Variant Classification Sherloc (09022015). Collection method: clinical testing. Allele origin: germline. Not counted in ClinVar's aggregate classification.
Comment: This sequence change replaces valine, which is neutral and non-polar, with leucine, which is neutral and non-polar, at codon 202 of the CDH1 protein (p.Val202Leu). This variant is not present in population databases (gnomAD no frequency). This variant has not been reported in the literature in individuals affected with CDH1-related conditions. ClinVar contains an entry for this variant (Variation ID: 230948). An algorithm developed to predict the effect of missense changes on protein structure and function outputs the following: PolyPhen-2: "Benign". The leucine amino acid residue is found in multiple mammalian species, which suggests that this missense change does not adversely affect protein function. In summary, the available evidence is currently insufficient to determine the role of this variant in disease. Therefore, it has been classified as a Variant of Uncertain Significance.

Ambry Genetics
Classification: Likely benign for Hereditary cancer-predisposing syndrome. Last evaluated: 2025-02-18. Review status: criteria provided, single submitter. Criteria: Ambry Variant Classification Scheme 2023. Collection method: clinical testing. Allele origin: germline. Not counted in ClinVar's aggregate classification.

Quest Diagnostics Nichols Institute San Juan Capistrano
Classification: Uncertain significance. Last evaluated: 2016-09-03. Review status: criteria provided, single submitter. Criteria: Quest Diagnostics criteria. Collection method: clinical testing. Allele origin: germline. Not counted in ClinVar's aggregate classification.

NM_004360.5(CDH1):c.604G>C (p.Val202Leu)

Gene: CDH1 (cadherin 1; plus strand). Cytogenetic location: 16q22.1.
Variant type: single nucleotide variant.
Coding change: c.604G>C on transcript NM_004360.5 (MANE Select); coding-DNA position 604, G replaced by C.
Protein change: p.Val202Leu; replaces valine 202 with leucine.
Molecular consequence: missense variant. On other transcripts: 5 prime UTR variant (2).
Genome position (GRCh38, 1-based): chr16:68,808,765, G>C. VCF-style: chr16-68808765-G-C. GRCh37 (hg19) VCF-style: chr16-68842668-G-C.
Other names: c.604G>C (LRG_301t1); c.604G>C, p.Val202Leu (NM_001317184.2); c.-1012G>C (NM_001317185.2); c.-1216G>C (NM_001317186.2); short protein forms V202L.
Identifiers: ClinVar variation 230948 (VCV000230948.15), dbSNP rs546716073, ClinGen allele CA10580088.